The following is an entry in ClinVar:

ClinVar aggregate classification (germline): Uncertain significance (1 of 4 stars; one submission).

Conditions:
Deficiency of galactokinase. Also called: Galactokinase deficiency with cataracts; GALACTOSEMIA II. Identifiers: Orphanet 352, Orphanet 79237, MedGen C0268155, MONDO:0009255, OMIM 230200.

Allele frequency attached by ClinVar (database versions not stated): gnomAD exomes 0.00002; 1000 Genomes Project 30x 0.00016.
gnomAD v4.1: 19 of 1,596,110 alleles (0.0012%); highest among the groups gnomAD compares: South Asian, 0.0022%; no homozygotes.

Submission:

Labcorp Genetics (formerly Invitae), Labcorp
Classification: Uncertain significance for Deficiency of galactokinase. Last evaluated: 2021-08-24. Review status: criteria provided, single submitter. Criteria: Invitae Variant Classification Sherloc (09022015). Collection method: clinical testing. Allele origin: germline.
Comment: This sequence change replaces arginine with glutamine at codon 279 of the GALK1 protein (p.Arg279Gln). The arginine residue is moderately conserved and there is a small physicochemical difference between arginine and glutamine. This variant is not present in population databases (ExAC no frequency). This variant has not been reported in the literature in individuals affected with GALK1-related conditions. Algorithms developed to predict the effect of missense changes on protein structure and function output the following: SIFT: "Tolerated"; PolyPhen-2: "Possibly Damaging"; Align-GVGD: "Class C0". The glutamine amino acid residue is found in multiple mammalian species, which suggests that this missense change does not adversely affect protein function. Algorithms developed to predict the effect of sequence changes on RNA splicing suggest that this variant may create or strengthen a splice site. In summary, the available evidence is currently insufficient to determine the role of this variant in disease. Therefore, it has been classified as a Variant of Uncertain Significance.

NM_000154.2(GALK1):c.836G>A (p.Arg279Gln)

Gene: GALK1 (galactokinase 1; minus strand). Cytogenetic location: 17q25.1.
Variant type: single nucleotide variant.
Coding change: c.836G>A on transcript NM_000154.2 (MANE Select); coding-DNA position 836, G replaced by A.
Protein change: p.Arg279Gln; replaces arginine 279 with glutamine.
Molecular consequence: missense variant.
Genome position (GRCh38, 1-based): chr17:75,758,557, C>T on the plus strand (G>A on the coding strand, the complement: GALK1 is on the minus strand). VCF-style: chr17-75758557-C-T. GRCh37 (hg19) VCF-style: chr17-73754638-C-T.
Other names: c.836G>A, p.Arg279Gln (NM_001381985.1); short protein forms R279Q.
Identifiers: ClinVar variation 1510866 (VCV001510866.5), dbSNP rs779054525, ClinGen allele CA294087217.
Genomic context (GRCh38, chr17:75,758,557, plus strand): 5'-TCGCCACGTCTCAGGGCGGCCGCTGCCTGGGCCGTGCGCCGAATCTCCCCCACCACGTGC[C>T]GGGCCCGCCGGAAGCCCTCTTTGCTCACCAGGTCCCTGGCAGCTGGGGAGGAAAGAGGAG-3'
Protein context (NP_000145.1, residues 269-289): LVSKEGFRRA[Arg279Gln]HVVGEIRRTA